The following is an entry in ClinVar:

ClinVar aggregate classification (germline): Benign. Review status: criteria provided, multiple submitters, no conflicts (2 of 4 stars). 2 submissions from 2 submitters: Benign (2). Last evaluated 2026-09-01.

Conditions:
Familial thoracic aortic aneurysm and aortic dissection (TAAD). Also called: Thoracic aortic aneurysms and dissections. Identifiers: Orphanet 91387, MedGen C4707243, MONDO:0019625.

Allele frequency attached by ClinVar (database versions not stated): ESP Exome Variant Server 0.00586; TOPMed 0.00604; gnomAD 0.00766; ExAC 0.00815; 1000 Genomes Project 0.00339; 1000 Genomes Project 30x 0.00344.
gnomAD v4.1: 15,061 of 1,614,048 alleles (0.93%); highest among the groups gnomAD compares: Non-Finnish European, 1.1%; 99 homozygotes.

Submissions (2):

CeGaT Center for Human Genetics Tuebingen
Classification: Benign. Last evaluated: 2026-09-01. Review status: criteria provided, single submitter. Criteria: CeGaT Center For Human Genetics Tuebingen Variant Classification Criteria Version 2. Collection method: clinical testing. Allele origin: germline. Affected: yes. Observed: 27 variant alleles.
Comment: THSD4: BS1, BS2

CHEO Genetics Diagnostic Laboratory, Children's Hospital of Eastern Ontario
Classification: Benign for Familial thoracic aortic aneurysm and aortic dissection. Last evaluated: 2022-12-30. Review status: criteria provided, single submitter. Criteria: ACMG Guidelines, 2015. Collection method: clinical testing. Allele origin: germline.

NM_024817.3(THSD4):c.1183G>A (p.Asp395Asn)

Gene: THSD4 (thrombospondin type 1 domain containing 4; plus strand). Cytogenetic location: 15q23.
Variant type: single nucleotide variant.
Coding change: c.1183G>A on transcript NM_024817.3 (MANE Select); coding-DNA position 1183, G replaced by A.
Protein change: p.Asp395Asn; replaces aspartic acid 395 with asparagine.
Molecular consequence: missense variant.
Genome position (GRCh38, 1-based): chr15:71,660,560, G>A. VCF-style: chr15-71660560-G-A. GRCh37 (hg19) VCF-style: chr15-71952899-G-A.
Other names: c.103G>A, p.Asp35Asn (NM_001286429.2); c.1183G>A, p.Asp395Asn (NM_001394532.1); c.1183G>A (NM_024817.2); short protein forms D35N, D395N.
Identifiers: ClinVar variation 1879297 (VCV001879297.30), dbSNP rs72742760, ClinGen allele CA7639440.
Genomic context (GRCh38, chr15:71,660,560, plus strand): 5'-ATGAGTCTTTTGTTTTCTGTCTTTTTGCAGAGCATTGGCTGTGATGACTACTTAGGCTCC[G>A]ACAAAGTCGTGGACAAATGTGGGGTGTGTGGAGGAGACAACACGGGCTGTCAGGTTGTGT-3'
Protein context (NP_079093.2, residues 385-405): SIGCDDYLGS[Asp395Asn]KVVDKCGVCG